The following is an entry in ClinVar:

NM_022095.4(ZNF335):c.2347G>A (p.Gly783Arg)

Gene: ZNF335 (zinc finger protein 335; minus strand). Cytogenetic location: 20q13.12.
Variant type: single nucleotide variant.
Coding change: c.2347G>A on transcript NM_022095.4 (MANE Select); coding-DNA position 2347, G replaced by A.
Protein change: p.Gly783Arg; replaces glycine 783 with arginine.
Molecular consequence: missense variant.
Genome position (GRCh38, 1-based): chr20:45,957,835, C>T on the plus strand (G>A on the coding strand, the complement: ZNF335 is on the minus strand). VCF-style: chr20-45957835-C-T. GRCh37 (hg19) VCF-style: chr20-44586474-C-T.
Other names: short protein forms G783R.
Identifiers: ClinVar variation 1021203 (VCV001021203.8), dbSNP rs2083757235, ClinGen allele CA409242161.

ClinVar aggregate classification (germline): Uncertain significance (1 of 4 stars; one submission).

Allele frequency attached by ClinVar (database versions not stated): gnomAD exomes below 0.00001.
gnomAD v4.1: 1 of 1,613,972 alleles (0.000062%); highest among the groups gnomAD compares: East Asian, 0.0022%; no homozygotes.

Submission:

Labcorp Genetics (formerly Invitae), Labcorp
Classification: Uncertain significance. Last evaluated: 2023-11-27. Review status: criteria provided, single submitter. Criteria: Invitae Variant Classification Sherloc (09022015). Collection method: clinical testing. Allele origin: germline.
Comment: This sequence change replaces glycine, which is neutral and non-polar, with arginine, which is basic and polar, at codon 783 of the ZNF335 protein (p.Gly783Arg). This variant also falls at the last nucleotide of exon 16, which is part of the consensus splice site for this exon. This variant is not present in population databases (gnomAD no frequency). This variant has not been reported in the literature in individuals affected with ZNF335-related conditions. ClinVar contains an entry for this variant (Variation ID: 1021203). An algorithm developed to predict the effect of missense changes on protein structure and function (PolyPhen-2) suggests that this variant is likely to be disruptive. Variants that disrupt the consensus splice site are a relatively common cause of aberrant splicing (PMID: 17576681, 9536098). Algorithms developed to predict the effect of sequence changes on RNA splicing suggest that this variant may disrupt the consensus splice site. In summary, the available evidence is currently insufficient to determine the role of this variant in disease. Therefore, it has been classified as a Variant of Uncertain Significance.

Literature cited by the submitters: PubMed 17576681; PubMed 9536098.